The following is an entry in ClinVar:

NM_001009999.3(KDM1A):c.1279A>G (p.Asn427Asp)

Gene: KDM1A (lysine demethylase 1A; plus strand). Cytogenetic location: 1p36.12.
Variant type: single nucleotide variant.
Coding change: c.1279A>G on transcript NM_001009999.3 (MANE Select); coding-DNA position 1279, A replaced by G.
Protein change: p.Asn427Asp; replaces asparagine 427 with aspartic acid.
Molecular consequence: missense variant.
Genome position (GRCh38, 1-based): chr1:23,068,638, A>G. VCF-style: chr1-23068638-A-G. GRCh37 (hg19) VCF-style: chr1-23395131-A-G.
Other names: c.1207A>G, p.Asn403Asp (NM_001363654.2, NM_001410763.1, NM_015013.4); c.1267A>G, p.Asn423Asp (NM_001410762.1); short protein forms N423D, N403D, N427D.
Identifiers: ClinVar variation 3532998 (VCV003532998.2).

ClinVar aggregate classification (germline): Uncertain significance (1 of 4 stars; one submission).

Conditions:
Inborn genetic diseases. Identifiers: MedGen C0950123, MeSH D030342.

Submission:

Ambry Genetics
Classification: Uncertain significance for Inborn genetic diseases. Last evaluated: 2026-07-13. Review status: criteria provided, single submitter. Criteria: Ambry Variant Classification Scheme 2023. Collection method: clinical testing. Allele origin: germline.
Comment: The p.N427D variant (also known as c.1279A>G), located in coding exon 11 of the KDM1A gene, results from an A to G substitution at nucleotide position 1279. The asparagine at codon 427 is replaced by aspartic acid, an amino acid with highly similar properties. This amino acid position is conserved. In addition, the in silico prediction for this alteration is inconclusive. Based on the available evidence, the clinical significance of this variant remains unclear.